The following is an entry in ClinVar:

ClinVar aggregate classification (germline): Uncertain significance. Review status: criteria provided, multiple submitters, no conflicts (2 of 4 stars). 3 submissions from 3 submitters: Uncertain significance (3). Last evaluated 2025-12-29.

Conditions:
Renal cell carcinoma. Identifiers: Orphanet 217071, MedGen C0007134, MeSH D002292, MONDO:0005086, HP:0005584.
Hereditary cancer-predisposing syndrome. Also called: Neoplastic Syndromes, Hereditary; Tumor predisposition; Hereditary Cancer Syndrome; Hereditary neoplastic syndrome. Identifiers: Orphanet 140162, MedGen C0027672, MeSH D009386, MONDO:0015356.

Allele frequency attached by ClinVar (database versions not stated): gnomAD exomes below 0.00001; ExAC 0.00001.

Submissions (3):

Center for Genomic Medicine, Rigshospitalet, Copenhagen University Hospital
Classification: Uncertain significance. Last evaluated: 2025-12-29. Review status: criteria provided, single submitter. Criteria: ACMG Guidelines, 2015. Collection method: clinical testing. Allele origin: germline.

Ambry Genetics
Classification: Uncertain significance for Hereditary cancer-predisposing syndrome. Last evaluated: 2025-01-27. Review status: criteria provided, single submitter. Criteria: Ambry Variant Classification Scheme 2023. Collection method: clinical testing. Allele origin: germline.
Comment: The p.L455F variant (also known as c.1363C>T), located in coding exon 2 of the MET gene, results from a C to T substitution at nucleotide position 1363. The leucine at codon 455 is replaced by phenylalanine, an amino acid with highly similar properties. This amino acid position is highly conserved in available vertebrate species. In addition, the in silico prediction for this alteration is inconclusive. Based on the available evidence, the clinical significance of this variant remains unclear.

Labcorp Genetics (formerly Invitae), Labcorp
Classification: Uncertain significance for Renal cell carcinoma. Last evaluated: 2024-11-27. Review status: criteria provided, single submitter. Criteria: Invitae Variant Classification Sherloc (09022015). Collection method: clinical testing. Allele origin: germline.
Comment: This sequence change replaces leucine, which is neutral and non-polar, with phenylalanine, which is neutral and non-polar, at codon 455 of the MET protein (p.Leu455Phe). This variant is not present in population databases (gnomAD no frequency). This variant has not been reported in the literature in individuals affected with MET-related conditions. ClinVar contains an entry for this variant (Variation ID: 639269). Invitae Evidence Modeling of protein sequence and biophysical properties (such as structural, functional, and spatial information, amino acid conservation, physicochemical variation, residue mobility, and thermodynamic stability) indicates that this missense variant is not expected to disrupt MET protein function with a negative predictive value of 80%. In summary, the available evidence is currently insufficient to determine the role of this variant in disease. Therefore, it has been classified as a Variant of Uncertain Significance.

NM_000245.4(MET):c.1363C>T (p.Leu455Phe)

Gene: MET (MET proto-oncogene, receptor tyrosine kinase; plus strand). Cytogenetic location: 7q31.2.
Variant type: single nucleotide variant.
Coding change: c.1363C>T on transcript NM_000245.4 (MANE Select); coding-DNA position 1363, C replaced by T.
Protein change: p.Leu455Phe; replaces leucine 455 with phenylalanine.
Molecular consequence: missense variant.
Genome position (GRCh38, 1-based): chr7:116,731,830, C>T. VCF-style: chr7-116731830-C-T. GRCh37 (hg19) VCF-style: chr7-116371884-C-T.
Other names: c.1363C>T, p.Leu455Phe (NM_001127500.3, NM_001324401.3); c.73C>T, p.Leu25Phe (NM_001324402.2); short protein forms L25F, L455F.
Identifiers: ClinVar variation 639269 (VCV000639269.16), dbSNP rs780077898, ClinGen allele CA4448138.